The following is an entry in ClinVar:

ClinVar aggregate classification (germline): Conflicting classifications of pathogenicity. Review status: criteria provided, conflicting classifications (1 of 4 stars). 2 submissions from 2 submitters: Uncertain significance (1); Likely benign (1). Last evaluated 2024-03-09.

Allele frequency attached by ClinVar (database versions not stated): gnomAD exomes below 0.00001; ExAC 0.00001.
gnomAD v4.1: 1 of 1,613,994 alleles (0.000062%); highest among the groups gnomAD compares: East Asian, 0.0022%; no homozygotes.

Submissions (2):

Labcorp Genetics (formerly Invitae), Labcorp
Classification: Uncertain significance. Last evaluated: 2024-03-09. Review status: criteria provided, single submitter. Criteria: Invitae Variant Classification Sherloc (09022015). Collection method: clinical testing. Allele origin: germline.
Comment: This sequence change falls in intron 2 of the POLE gene. It does not directly change the encoded amino acid sequence of the POLE protein. This variant is present in population databases (rs749595462, gnomAD 0.006%). This variant has not been reported in the literature in individuals affected with POLE-related conditions. ClinVar contains an entry for this variant (Variation ID: 386301). Algorithms developed to predict the effect of sequence changes on RNA splicing suggest that this variant may disrupt the consensus splice site. In summary, the available evidence is currently insufficient to determine the role of this variant in disease. Therefore, it has been classified as a Variant of Uncertain Significance.

GeneDx
Classification: Likely benign. Last evaluated: 2016-05-13. Review status: criteria provided, single submitter. Criteria: GeneDx Variant Classification (06012015). Collection method: clinical testing. Allele origin: germline. Affected: yes.
Comment: This variant is considered likely benign or benign based on one or more of the following criteria: it is a conservative change, it occurs at a poorly conserved position in the protein, it is predicted to be benign by multiple in silico algorithms, and/or has population frequency not consistent with disease.

NM_006231.4(POLE):c.204+8C>G

Gene: POLE (DNA polymerase epsilon, catalytic subunit; minus strand). Cytogenetic location: 12q24.33.
Variant type: single nucleotide variant.
Coding change: c.204+8C>G on transcript NM_006231.4 (MANE Select); 8 bases into the intron after coding-DNA position 204, C replaced by G.
Molecular consequence: intron variant.
Genome position (GRCh38, 1-based): chr12:132,681,130, G>C on the plus strand (C>G on the coding strand, the complement: POLE is on the minus strand). VCF-style: chr12-132681130-G-C. GRCh37 (hg19) VCF-style: chr12-133257716-G-C.
Identifiers: ClinVar variation 386301 (VCV000386301.3), dbSNP rs749595462, ClinGen allele CA6894422.